The following is an entry in ClinVar:

ClinVar aggregate classification (germline): Benign. Review status: criteria provided, multiple submitters, no conflicts (2 of 4 stars). 2 submissions from 2 submitters: Benign (2). Last evaluated 2019-12-31.

Conditions:
Frontotemporal dementia and/or amyotrophic lateral sclerosis 1 (FTDALS1). Also called: Frontotemporal dementia with motor neuron disease 1; C9orf72 Frontotemporal Dementia and/or Amyotrophic Lateral Sclerosis. Identifiers: Orphanet 275872, MedGen C5779877, MONDO:0007105, OMIM 105550.

Allele frequency attached by ClinVar (database versions not stated): ESP Exome Variant Server 0.00008; gnomAD 0.00036 and 0.00062; TOPMed 0.00060; gnomAD exomes 0.00066 and 0.00074; ExAC 0.00086; 1000 Genomes Project 30x 0.00219; 1000 Genomes Project 0.00280.
gnomAD v4.1: 1,008 of 1,552,364 alleles (0.065%); highest among the groups gnomAD compares: East Asian, 1.9%; 11 homozygotes.

Submissions (2):

Labcorp Genetics (formerly Invitae), Labcorp
Classification: Benign. Last evaluated: 2019-12-31. Review status: criteria provided, single submitter. Criteria: Invitae Variant Classification Sherloc (09022015). Collection method: clinical testing. Allele origin: germline.

Illumina Laboratory Services, Illumina
Classification: Benign for Frontotemporal dementia and/or amyotrophic lateral sclerosis 1. Last evaluated: 2018-01-13. Review status: criteria provided, single submitter. Criteria: ICSL Variant Classification Criteria 13 December 2019. Collection method: clinical testing. Allele origin: germline.
Comment: This variant was observed in the ICSL laboratory as part of a predisposition screen in an ostensibly healthy population. It had not been previously curated by ICSL or reported in the Human Gene Mutation Database (HGMD: prior to June 1st, 2018), and was therefore a candidate for classification through an automated scoring system. Utilizing variant allele frequency, disease prevalence and penetrance estimates, and inheritance mode, an automated score was calculated to assess if this variant is too frequent to cause the disease. Based on the score and internal cut-off values, a variant classified as benign is not then subjected to further curation. The score for this variant resulted in a classification of benign for this disease.

NM_018325.5(C9orf72):c.1149+9T>C

Gene: C9orf72 (C9orf72-SMCR8 complex subunit; minus strand). Cytogenetic location: 9p21.2.
Variant type: single nucleotide variant.
Coding change: c.1149+9T>C on transcript NM_018325.5 (MANE Select); 9 bases into the intron after coding-DNA position 1149, T replaced by C.
Molecular consequence: intron variant.
Genome position (GRCh38, 1-based): chr9:27,550,641, A>G on the plus strand (T>C on the coding strand, the complement: C9orf72 is on the minus strand). VCF-style: chr9-27550641-A-G. GRCh37 (hg19) VCF-style: chr9-27550639-A-G.
Other names: c.1149+9T>C (NM_001256054.3).
Identifiers: ClinVar variation 366523 (VCV000366523.9), dbSNP rs139352974, ClinGen allele CA5017737.